The following is an entry in ClinVar:

ClinVar aggregate classification (germline): Uncertain significance (1 of 4 stars; one submission).

Conditions:
Peroxisome biogenesis disorder 3A (Zellweger). Also called: PEROXISOMAL BIOGENESIS DISORDER 3A (ZELLWEGER); Peroxisome biogenesis disorder 3A. Identifiers: Orphanet 912, MedGen C3553929, MONDO:0013927, OMIM 614859.

Submission:

Labcorp Genetics (formerly Invitae), Labcorp
Classification: Uncertain significance for Peroxisome biogenesis disorder 3A (Zellweger). Last evaluated: 2025-06-03. Review status: criteria provided, single submitter. Criteria: Invitae Variant Classification Sherloc (09022015). Collection method: clinical testing. Allele origin: germline.
Comment: This sequence change replaces proline, which is neutral and non-polar, with histidine, which is basic and polar, at codon 280 of the PEX12 protein (p.Pro280His). This variant is not present in population databases (gnomAD no frequency). This variant has not been reported in the literature in individuals affected with PEX12-related conditions. Invitae Evidence Modeling of protein sequence and biophysical properties (such as structural, functional, and spatial information, amino acid conservation, physicochemical variation, residue mobility, and thermodynamic stability) indicates that this missense variant is expected to disrupt PEX12 protein function with a positive predictive value of 80%. In summary, the available evidence is currently insufficient to determine the role of this variant in disease. Therefore, it has been classified as a Variant of Uncertain Significance.

NM_000286.3(PEX12):c.839C>A (p.Pro280His)

Gene: PEX12 (peroxisomal biogenesis factor 12; minus strand). Cytogenetic location: 17q12.
Variant type: single nucleotide variant.
Coding change: c.839C>A on transcript NM_000286.3 (MANE Select); coding-DNA position 839, C replaced by A.
Protein change: p.Pro280His; replaces proline 280 with histidine.
Molecular consequence: missense variant.
Genome position (GRCh38, 1-based): chr17:35,576,023, G>T on the plus strand (C>A on the coding strand, the complement: PEX12 is on the minus strand). VCF-style: chr17-35576023-G-T. GRCh37 (hg19) VCF-style: chr17-33903042-G-T.
Other names: short protein forms P280H.
Identifiers: ClinVar variation 4740507 (VCV004740507.1).